The following is an entry in ClinVar:

NC_000016.10:g.(?_2081575)_(2104662_?)del

Genes: MIR1225 (microRNA 1225; minus strand), PKD1 (polycystin 1, transient receptor potential channel interacting; minus strand), PKD1-AS1 (PKD1 antisense RNA 1; plus strand), TSC2 (TSC complex subunit 2; plus strand). Cytogenetic location: 16p13.3.
Variant type: Deletion.
Identifiers: ClinVar variation 650711 (VCV000650711.7).

ClinVar aggregate classification (germline): Pathogenic (1 of 4 stars; one submission).

Conditions:
Tuberous sclerosis 2 (TSC2). Identifiers: Orphanet 805, MedGen C1860707, MONDO:0013199, OMIM 613254.

Submission:

Labcorp Genetics (formerly Invitae), Labcorp
Classification: Pathogenic for Tuberous sclerosis 2. Last evaluated: 2018-07-22. Review status: criteria provided, single submitter. Criteria: Invitae Variant Classification Sherloc (09022015). Collection method: clinical testing. Allele origin: germline.
Comment: For these reasons, this variant has been classified as Pathogenic. Many different truncations downstream of this variant have been reported to be pathogenic, including a frameshift variant, c.5405_5408dup (p.Phe1803Leufs*42), that has been reported as a disease-causing de novo variant in an individual affected with tuberous sclerosis complex (PMID: 24789117). This suggests that deletion of this region of the TSC2 protein is causative of disease. A similar deletion of exons 31-42 (also known as exons 30-41 in the literature) has been reported in individuals affected with tuberous sclerosis complex (PMID: 17287951). This variant is a gross deletion of the genomic region encompassing exons 31-42 of the TSC2 gene. The 5' boundary is likely confined to intron 30. The 3' end of this event is unknown as it extends through the termination codon beyond the assayed region for this gene and may encompass additional genes. While this deletion is not anticipated to result in nonsense mediated decay, it is expected to create a truncated protein product or disrupt mRNA translation.

Literature cited by the submitters: PubMed 24789117; PubMed 17287951.